The following is an entry in ClinVar:

ClinVar aggregate classification (germline): Uncertain significance (1 of 4 stars; one submission).

Submission:

Ambry Genetics
Classification: Uncertain significance. Last evaluated: 2026-01-14. Review status: criteria provided, single submitter. Criteria: Ambry Variant Classification Scheme 2023. Collection method: clinical testing. Allele origin: germline.
Comment: The p.E167K variant (also known as c.499G>A), located in coding exon 1 of the MLH3 gene, results from a G to A substitution at nucleotide position 499. The glutamic acid at codon 167 is replaced by lysine, an amino acid with similar properties. This amino acid position is conserved. In addition, this alteration is predicted to be deleterious by in silico analysis. Based on the available evidence, the clinical significance of this variant remains unclear.

NM_001040108.2(MLH3):c.499G>A (p.Glu167Lys)

Gene: MLH3 (mutL homolog 3; minus strand). Cytogenetic location: 14q24.3.
Variant type: single nucleotide variant.
Coding change: c.499G>A on transcript NM_001040108.2 (MANE Select); coding-DNA position 499, G replaced by A.
Protein change: p.Glu167Lys; replaces glutamic acid 167 with lysine.
Molecular consequence: missense variant.
Genome position (GRCh38, 1-based): chr14:75,049,157, C>T on the plus strand (G>A on the coding strand, the complement: MLH3 is on the minus strand). VCF-style: chr14-75049157-C-T. GRCh37 (hg19) VCF-style: chr14-75515860-C-T.
Other names: c.499G>A, p.Glu167Lys (NM_014381.3); short protein forms E167K.
Identifiers: ClinVar variation 4841845 (VCV004841845.1).
Genomic context (GRCh38, chr14:75,049,157, plus strand): 5'-AAGAAATGGAAGGGTGCATGAGTGAGAGAGCTTCTATTCTCTGCCTAACCTTCTCAAACT[C>T]CAGTCTAGGGTCCATGCATTTCCTCCTTACAGGAAGCTGGTAAAATAGGTTATACACTGT-3'
Protein context (NP_001035197.1, residues 157-177): VRRKCMDPRL[Glu167Lys]FEKVRQRIEA